The following is an entry in ClinVar:

NM_015506.3(MMACHC):c.584G>C (p.Gly195Ala)

Gene: MMACHC (metabolism of cobalamin associated C; plus strand). Cytogenetic location: 1p34.1.
Variant type: single nucleotide variant.
Coding change: c.584G>C on transcript NM_015506.3 (MANE Select); coding-DNA position 584, G replaced by C.
Protein change: p.Gly195Ala; replaces glycine 195 with alanine.
Molecular consequence: missense variant.
Genome position (GRCh38, 1-based): chr1:45,508,950, G>C. VCF-style: chr1-45508950-G-C. GRCh37 (hg19) VCF-style: chr1-45974622-G-C.
Other names: c.413G>C, p.Gly138Ala (NM_001330540.2); short protein forms G138A, G195A.
Identifiers: ClinVar variation 1058530 (VCV001058530.11), dbSNP rs754862915, ClinGen allele CA827802.
Genomic context (GRCh38, chr1:45,508,950, plus strand): 5'-CACCCAGAAAACCTCATGACTGTGTACCTACAAGAGCTGACCGTATCGCCCTACTCGAAG[G>C]CTTCAATTTCCACTGGCGTGATTGGACTTACCGGGATGCTGTGACACCCCAGGAGCGCTA-3'
Protein context (NP_056321.2, residues 185-205): TRADRIALLE[Gly195Ala]FNFHWRDWTY

ClinVar aggregate classification (germline): Uncertain significance. Review status: criteria provided, multiple submitters, no conflicts (2 of 4 stars). 4 submissions from 4 submitters: Uncertain significance (3). 1 of the submissions does not count toward it. Last evaluated 2024-05-28.

Conditions:
Cobalamin C disease. Also called: Methylmalonic aciduria and homocystinuria, Vitamin B12-responsive; Vitamin B12 metabolic defect with combined deficiency of methylmalonyl-CoA mutase and homocysteine:methyltetrahydrofolate methyltransferase; Cobalamin-C methylmalonic acidemia and homocystinuria; Methylmalonic acidemia and homocystinuria cblC type; Methylmalonic aciduria with homocystinuria cblC type; methylmalonic aciduria and homocystinuria type cblC. Identifiers: Orphanet 26, Orphanet 79282, MedGen C1848561, MONDO:0010184, OMIM 277400.

Allele frequency attached by ClinVar (database versions not stated): gnomAD exomes 0.00001 and 0.00005; ExAC 0.00002; TOPMed 0.00010; gnomAD 0.00013.
gnomAD v4.1: 38 of 1,614,046 alleles (0.0024%); highest among the groups gnomAD compares: Admixed American, 0.045%; no homozygotes.

Submissions (4):

Fulgent Genetics
Classification: Uncertain significance for Cobalamin C disease. Last evaluated: 2024-05-28. Review status: criteria provided, single submitter. Criteria: ACMG Guidelines, 2015. Collection method: clinical testing. Allele origin: germline.

Genome-Nilou Lab
Classification: Uncertain significance for Cobalamin C disease. Last evaluated: 2023-04-11. Review status: criteria provided, single submitter. Criteria: ACMG Guidelines, 2015. Collection method: clinical testing. Allele origin: germline. Affected: no.

Labcorp Genetics (formerly Invitae), Labcorp
Classification: Uncertain significance for Cobalamin C disease. Last evaluated: 2022-08-09. Review status: criteria provided, single submitter. Criteria: Invitae Variant Classification Sherloc (09022015). Collection method: clinical testing. Allele origin: germline.
Comment: This sequence change replaces glycine, which is neutral and non-polar, with alanine, which is neutral and non-polar, at codon 195 of the MMACHC protein (p.Gly195Ala). This variant is present in population databases (rs754862915, gnomAD 0.03%). This variant has not been reported in the literature in individuals affected with MMACHC-related conditions. ClinVar contains an entry for this variant (Variation ID: 1058530). Advanced modeling of protein sequence and biophysical properties (such as structural, functional, and spatial information, amino acid conservation, physicochemical variation, residue mobility, and thermodynamic stability) performed at Invitae indicates that this missense variant is not expected to disrupt MMACHC protein function. In summary, the available evidence is currently insufficient to determine the role of this variant in disease. Therefore, it has been classified as a Variant of Uncertain Significance.

Natera, Inc.
Classification: Uncertain significance for Methylmalonic aciduria and homocystinuria cblC type. Last evaluated: 2018-10-06. Review status: no assertion criteria provided. Collection method: clinical testing. Allele origin: germline. Not counted in ClinVar's aggregate classification.